The following is an entry in ClinVar:

NM_172201.2(KCNE2):c.25C>T (p.Gln9Ter)

Genes: KCNE2 (potassium voltage-gated channel subfamily E regulatory subunit 2; plus strand), LOC105372791 (uncharacterized LOC105372791; minus strand). Cytogenetic location: 21q22.11.
Variant type: single nucleotide variant.
Coding change: c.25C>T on transcript NM_172201.2 (MANE Select); coding-DNA position 25, C replaced by T.
Protein change: p.Gln9Ter; replaces glutamine 9 with a stop codon.
Molecular consequence: nonsense.
Genome position (GRCh38, 1-based): chr21:34,370,503, C>T. VCF-style: chr21-34370503-C-T. GRCh37 (hg19) VCF-style: chr21-35742802-C-T.
Other names: short protein forms Q9*.
Identifiers: ClinVar variation 518756 (VCV000518756.5), dbSNP rs16991652, ClinGen allele CA410196117.

ClinVar aggregate classification (germline): Uncertain significance (1 of 4 stars; one submission).

Conditions:
Cardiovascular phenotype. Identifiers: MedGen CN230736.

gnomAD v4.1: 1 of 1,614,182 alleles (0.000062%); highest among the groups gnomAD compares: South Asian, 0.0011%; no homozygotes.

Submission:

Ambry Genetics
Classification: Uncertain significance for Cardiovascular phenotype. Last evaluated: 2020-09-16. Review status: criteria provided, single submitter. Criteria: Ambry Variant Classification Scheme 2023. Collection method: clinical testing. Allele origin: germline.
Comment: The p.Q9* variant (also known as c.25C>T), located in coding exon 1 of the KCNE2 gene, results from a C to T substitution at nucleotide position 25. This changes the amino acid from a glutamine to a stop codon within coding exon 1. This alteration is expected to result in loss of function by premature protein truncation or nonsense-mediated mRNA decay. However, loss of function of KCNE2 has not been clearly established as a mechanism of disease. Since supporting evidence is limited at this time, the clinical significance of this alteration remains unclear.